The following is an entry in ClinVar:

ClinVar aggregate classification (germline): Likely benign (1 of 4 stars; one submission).

Allele frequency attached by ClinVar (database versions not stated): gnomAD exomes 0.00122; ExAC 0.00146; 1000 Genomes Project 0.00359; ESP Exome Variant Server 0.00438; 1000 Genomes Project 30x 0.00484; gnomAD 0.00484 and 0.00532; TOPMed 0.00542.
gnomAD v4.1: 1,413 of 1,605,454 alleles (0.088%); highest among the groups gnomAD compares: African/African-American, 1.7%; 12 homozygotes.

Submissions (2):

GeneDx
Classification: Likely benign. Last evaluated: 2018-06-16. Review status: criteria provided, single submitter. Criteria: GeneDx Variant Classification (06012015). Collection method: clinical testing. Allele origin: germline. Affected: yes.
Comment: This variant is considered likely benign or benign based on one or more of the following criteria: it is a conservative change, it occurs at a poorly conserved position in the protein, it is predicted to be benign by multiple in silico algorithms, and/or has population frequency not consistent with disease.

Dr. Peter K. Rogan Lab, Western University
No classification provided (evidence only). Condition: Cervical cancer. Review status: no classification provided. Collection method: in vitro. Allele origin: not applicable. Functional consequence: retained intron. Not counted in ClinVar's aggregate classification.

NM_130837.3(OPA1):c.1377+38A>T

Gene: OPA1 (OPA1 mitochondrial dynamin like GTPase; plus strand). Cytogenetic location: 3q29.
Variant type: single nucleotide variant.
Coding change: c.1377+38A>T on transcript NM_130837.3 (MANE Select); 38 bases into the intron after coding-DNA position 1377, A replaced by T.
Molecular consequence: intron variant.
Genome position (GRCh38, 1-based): chr3:193,643,482, A>T. VCF-style: chr3-193643482-A-T. GRCh37 (hg19) VCF-style: chr3-193361271-A-T.
Other names: NC_000003.11:g.193361271A>T; c.840+38A>T (NM_001354664.2); c.843+38A>T (NM_001354663.2); c.1266+38A>T (NM_130834.3); c.1323+38A>T (NM_130836.3); c.1212+38A>T (NM_015560.3); c.1269+38A>T (NM_130835.3); c.1158+38A>T (NM_130832.3); and 2 more.
Identifiers: ClinVar variation 676788 (VCV000676788.2), dbSNP rs145646386, ClinGen allele CA2759363.